The following is an entry in ClinVar:

NM_001372051.1(CASP8):c.701G>A (p.Gly234Glu)

Gene: CASP8 (caspase 8; plus strand). Cytogenetic location: 2q33.1.
Variant type: single nucleotide variant.
Coding change: c.701G>A on transcript NM_001372051.1 (MANE Select); coding-DNA position 701, G replaced by A.
Protein change: p.Gly234Glu; replaces glycine 234 with glutamic acid.
Molecular consequence: missense variant. On other transcripts: synonymous variant (1), non-coding transcript variant (21), intron variant (4).
Genome position (GRCh38, 1-based): chr2:201,276,867, G>A. VCF-style: chr2-201276867-G-A. GRCh37 (hg19) VCF-style: chr2-202141590-G-A.
Other names: c.656G>A, p.Gly219Glu (NM_001080124.2, NM_001400658.1, NM_001400659.1 and 5 more transcripts); c.878G>A, p.Gly293Glu (NM_001080125.2); c.752G>A, p.Gly251Glu (NM_001228.5); c.833G>A, p.Gly278Glu (NM_001400642.1); c.734G>A, p.Gly245Glu (NM_001400645.1); c.701G>A, p.Gly234Glu (NM_001400648.1, NM_001400651.1, NM_001400653.1 and 6 more transcripts); c.632G>A, p.Gly211Glu (NM_001400664.1); c.392G>A, p.Gly131Glu (NM_001400669.1); and 7 more; short protein forms G234E, G219E, G293E, G251E, G131E, G20E, G211E, G245E.
Identifiers: ClinVar variation 642198 (VCV000642198.9), dbSNP rs1390728717, ClinGen allele CA350293942.
Genomic context (GRCh38, chr2:201,276,867, plus strand): 5'-GTTGGGTTTTTGTTTTCCAGACTTTGGACAAAGTTTACCAAATGAAAAGCAAACCTCGGG[G>A]ATACTGTCTGATCATCAACAATCACAATTTTGCAAAAGCACGGGAGAAAGTGCCCAAACT-3'
Protein context (NP_001358980.1, residues 224-244): KVYQMKSKPR[Gly234Glu]YCLIINNHNF

ClinVar aggregate classification (germline): Uncertain significance (1 of 4 stars; one submission).

Conditions:
Autoimmune lymphoproliferative syndrome type 2B. Also called: AUTOIMMUNE LYMPHOPROLIFERATIVE SYNDROME, TYPE IIB. Identifiers: Orphanet 275517, MedGen C1846545, MONDO:0011804, OMIM 607271.

Submission:

Labcorp Genetics (formerly Invitae), Labcorp
Classification: Uncertain significance for Autoimmune lymphoproliferative syndrome type 2B. Last evaluated: 2018-11-28. Review status: criteria provided, single submitter. Criteria: Invitae Variant Classification Sherloc (09022015). Collection method: clinical testing. Allele origin: germline.
Comment: In summary, the available evidence is currently insufficient to determine the role of this variant in disease. Therefore, it has been classified as a Variant of Uncertain Significance. Algorithms developed to predict the effect of missense changes on protein structure and function (SIFT, PolyPhen-2, Align-GVGD) all suggest that this variant is likely to be disruptive, but these predictions have not been confirmed by published functional studies and their clinical significance is uncertain. This variant has not been reported in the literature in individuals with CASP8-related conditions. This variant is not present in population databases (ExAC no frequency). This sequence change replaces glycine with glutamic acid at codon 251 of the CASP8 protein (p.Gly251Glu). The glycine residue is highly conserved and there is a moderate physicochemical difference between glycine and glutamic acid.